The following is an entry in ClinVar:

ClinVar aggregate classification (germline): Uncertain significance (1 of 4 stars; one submission).

Conditions:
Inborn genetic diseases. Identifiers: MedGen C0950123, MeSH D030342.

Submission:

Ambry Genetics
Classification: Uncertain significance for Inborn genetic diseases. Last evaluated: 2024-11-26. Review status: criteria provided, single submitter. Criteria: Ambry Variant Classification Scheme 2023. Collection method: clinical testing. Allele origin: germline.
Comment: The p.P193T variant (also known as c.577C>A), located in coding exon 2 of the GATA2 gene, results from a C to A substitution at nucleotide position 577. The proline at codon 193 is replaced by threonine, an amino acid with highly similar properties. This amino acid position is conserved. In addition, this alteration is predicted to be deleterious by in silico analysis. Based on the available evidence, the clinical significance of this variant remains unclear.

NM_032638.5(GATA2):c.577C>A (p.Pro193Thr)

Gene: GATA2 (GATA binding protein 2; minus strand). Cytogenetic location: 3q21.3.
Variant type: single nucleotide variant.
Coding change: c.577C>A on transcript NM_032638.5 (MANE Select); coding-DNA position 577, C replaced by A.
Protein change: p.Pro193Thr; replaces proline 193 with threonine.
Molecular consequence: missense variant.
Genome position (GRCh38, 1-based): chr3:128,486,021, G>T on the plus strand (C>A on the coding strand, the complement: GATA2 is on the minus strand). VCF-style: chr3-128486021-G-T. GRCh37 (hg19) VCF-style: chr3-128204864-G-T.
Other names: c.577C>A, p.Pro193Thr (NM_001145661.2, NM_001145662.1); short protein forms P193T.
Identifiers: ClinVar variation 3518997 (VCV003518997.1).
Genomic context (GRCh38, chr3:128,486,021, plus strand): 5'-ACTTGACGCCGTCCTTGTCCTCTCCTCGGGCTGCACTACCCCCCGCGGAAGATGAGGCTG[G>T]AGACGCAGCCCCCGTGGTGCTAGGGTCAGGAGACACTTCTTTGGGTGGCGTGGGTGGGAA-3'
Protein context (NP_116027.2, residues 183-203): PDPSTTGAAS[Pro193Thr]ASSSAGGSAA